The following is an entry in ClinVar:

ClinVar aggregate classification (germline): Uncertain significance (1 of 4 stars; one submission).

Conditions:
Developmental and epileptic encephalopathy, 2 (DEE2). Also called: INFANTILE SPASM SYNDROME, X-LINKED 2; CDKL5 deficiency disorder. Identifiers: Orphanet 1934, Orphanet 3451, Orphanet 505652, MedGen C4750718, MONDO:0010396, OMIM 300672.
Angelman syndrome-like. Identifiers: MedGen CN128785.

Allele frequency attached by ClinVar (database versions not stated): TOPMed 0.00001.

Submission:

Labcorp Genetics (formerly Invitae), Labcorp
Classification: Uncertain significance for Developmental and epileptic encephalopathy, 2; Angelman syndrome-like. Last evaluated: 2023-07-13. Review status: criteria provided, single submitter. Criteria: Invitae Variant Classification Sherloc (09022015). Collection method: clinical testing. Allele origin: germline.
Comment: In summary, the available evidence is currently insufficient to determine the role of this variant in disease. Therefore, it has been classified as a Variant of Uncertain Significance. Advanced modeling of protein sequence and biophysical properties (such as structural, functional, and spatial information, amino acid conservation, physicochemical variation, residue mobility, and thermodynamic stability) performed at Invitae indicates that this missense variant is expected to disrupt CDKL5 protein function. This variant has not been reported in the literature in individuals affected with CDKL5-related conditions. This variant is not present in population databases (gnomAD no frequency). This sequence change replaces isoleucine, which is neutral and non-polar, with valine, which is neutral and non-polar, at codon 6 of the CDKL5 protein (p.Ile6Val).

NM_001323289.2(CDKL5):c.16A>G (p.Ile6Val)

Gene: CDKL5 (cyclin dependent kinase like 5; plus strand). Cytogenetic location: Xp22.13.
Variant type: single nucleotide variant.
Coding change: c.16A>G on transcript NM_001323289.2 (MANE Select); coding-DNA position 16, A replaced by G.
Protein change: p.Ile6Val; replaces isoleucine 6 with valine.
Molecular consequence: missense variant.
Genome position (GRCh38, 1-based): chrX:18,507,112, A>G. VCF-style: chrX-18507112-A-G. GRCh37 (hg19) VCF-style: chrX-18525232-A-G.
Other names: c.16A>G, p.Ile6Val (NM_001037343.2, NM_003159.3); short protein forms I6V.
Identifiers: ClinVar variation 2927189 (VCV002927189.3), dbSNP rs1922604127, ClinGen allele CA412489510.
Genomic context (GRCh38, chrX:18,507,112, plus strand): 5'-TGGTGCCATGTTTTGTGGCTTGCATCAAAAGAGGAGTTTGTCTTCATGAAGATTCCTAAC[A>G]TTGGTAATGTGATGAATAAATTTGAGATCCTTGGGGTTGTAGGTGAAGGTAAGTTGGAAT-3'
Protein context (NP_001310218.1, residues 1-16): MKIPN[Ile6Val]GNVMNKFEIL